The following is an entry in ClinVar:

ClinVar aggregate classification (germline): Uncertain significance (1 of 4 stars; one submission).

Allele frequency attached by ClinVar (database versions not stated): gnomAD 0.00017; 1000 Genomes Project 30x 0.00094; 1000 Genomes Project 0.00120; gnomAD exomes 0.00003; ExAC 0.00006; TOPMed 0.00012.
gnomAD v4.1: 73 of 1,571,482 alleles (0.0046%); highest among the groups gnomAD compares: African/African-American, 0.063%; 1 homozygote.

Submission:

Labcorp Genetics (formerly Invitae), Labcorp
Classification: Uncertain significance. Last evaluated: 2025-06-13. Review status: criteria provided, single submitter. Criteria: Invitae Variant Classification Sherloc (09022015). Collection method: clinical testing. Allele origin: germline.
Comment: This sequence change replaces valine, which is neutral and non-polar, with alanine, which is neutral and non-polar, at codon 104 of the DSCAML1 protein (p.Val104Ala). This variant is present in population databases (rs186162781, gnomAD 0.07%), and has an allele count higher than expected for a pathogenic variant. This variant has not been reported in the literature in individuals affected with DSCAML1-related conditions. ClinVar contains an entry for this variant (Variation ID: 2183096). An algorithm developed to predict the effect of missense changes on protein structure and function (PolyPhen-2) suggests that this variant is likely to be tolerated. In summary, the available evidence is currently insufficient to determine the role of this variant in disease. Therefore, it has been classified as a Variant of Uncertain Significance.

NM_020693.4(DSCAML1):c.131T>C (p.Val44Ala)

Gene: DSCAML1 (DS cell adhesion molecule like 1; minus strand). Cytogenetic location: 11q23.3.
Variant type: single nucleotide variant.
Coding change: c.131T>C on transcript NM_020693.4 (MANE Select); coding-DNA position 131, T replaced by C.
Protein change: p.Val44Ala; replaces valine 44 with alanine.
Molecular consequence: missense variant. On other transcripts: 5 prime UTR variant (1).
Genome position (GRCh38, 1-based): chr11:117,780,726, A>G on the plus strand (T>C on the coding strand, the complement: DSCAML1 is on the minus strand). VCF-style: chr11-117780726-A-G. GRCh37 (hg19) VCF-style: chr11-117651441-A-G.
Other names: c.131T>C, p.Val44Ala (NM_001367904.1); c.-278T>C (NM_001367905.1); short protein forms V44A.
Identifiers: ClinVar variation 2183096 (VCV002183096.4), dbSNP rs186162781, ClinGen allele CA6297647.
Genomic context (GRCh38, chr11:117,780,726, plus strand): 5'-CCTGTGGCCAGGTACCATCGAAGGGCCGCGCTGGGGGAGCCCGCGGCCGGGCAGGGCACC[A>G]CCACCCCCACGGAGCTGGAAAAGGTCACCTGCTGCAAGGAGTCATTTACAAAGTAGAGGC-3'
Protein context (NP_065744.3, residues 34-54): QVTFSSSVGV[Val44Ala]VPCPAAGSPS